The following is an entry in ClinVar:

NM_005559.4(LAMA1):c.1787C>T (p.Pro596Leu)

Gene: LAMA1 (laminin subunit alpha 1; minus strand). Cytogenetic location: 18p11.31.
Variant type: single nucleotide variant.
Coding change: c.1787C>T on transcript NM_005559.4 (MANE Select); coding-DNA position 1787, C replaced by T.
Protein change: p.Pro596Leu; replaces proline 596 with leucine.
Molecular consequence: missense variant.
Genome position (GRCh38, 1-based): chr18:7,036,039, G>A on the plus strand (C>T on the coding strand, the complement: LAMA1 is on the minus strand). VCF-style: chr18-7036039-G-A. GRCh37 (hg19) VCF-style: chr18-7036038-G-A.
Other names: short protein forms P596L.
Identifiers: ClinVar variation 2442622 (VCV002442622.3), dbSNP rs139065838, ClinGen allele CA8882869.

ClinVar aggregate classification (germline): Uncertain significance. Review status: criteria provided, multiple submitters, no conflicts (2 of 4 stars). 3 submissions from 3 submitters: Uncertain significance (3). Last evaluated 2025-12-08.

Conditions:
Inborn genetic diseases. Identifiers: MedGen C0950123, MeSH D030342.

Allele frequency attached by ClinVar (database versions not stated): gnomAD exomes 0.00002; ExAC 0.00003; gnomAD 0.00005; TOPMed 0.00005; ESP Exome Variant Server 0.00015; 1000 Genomes Project 30x 0.00016; 1000 Genomes Project 0.00020.
gnomAD v4.1: 35 of 1,614,114 alleles (0.0022%); highest among the groups gnomAD compares: African/African-American, 0.013%; no homozygotes.

Submissions (3):

Ambry Genetics
Classification: Uncertain significance for Inborn genetic diseases. Last evaluated: 2025-12-08. Review status: criteria provided, single submitter. Criteria: Ambry Variant Classification Scheme 2023. Collection method: clinical testing. Allele origin: germline.

GeneDx
Classification: Uncertain significance. Last evaluated: 2022-08-30. Review status: criteria provided, single submitter. Criteria: GeneDx Variant Classification Process June 2021. Collection method: clinical testing. Allele origin: germline. Affected: yes.
Comment: In silico analysis supports that this missense variant has a deleterious effect on protein structure/function; Has not been previously published as pathogenic or benign to our knowledge

Blueprint Genetics
Classification: Uncertain significance. Last evaluated: 2021-03-18. Review status: criteria provided, single submitter. Criteria: ACMG Guidelines, 2015. Collection method: clinical testing. Allele origin: germline.